The following is an entry in ClinVar:

ClinVar aggregate classification (germline): Benign. Review status: criteria provided, multiple submitters, no conflicts (2 of 4 stars). 2 submissions from 2 submitters: Benign (2). Last evaluated 2018-06-16.

Allele frequency attached by ClinVar (database versions not stated): gnomAD exomes 0.00555; gnomAD 0.05170 and 0.05547; 1000 Genomes Project 0.05511; 1000 Genomes Project 30x 0.05840; TOPMed 0.05982.
gnomAD v4.1: 13,998 of 1,201,998 alleles (1.2%); highest among the groups gnomAD compares: African/African-American, 18%; 1,088 homozygotes.

Submissions (2):

GeneDx
Classification: Benign. Last evaluated: 2018-06-16. Review status: criteria provided, single submitter. Criteria: GeneDx Variant Classification (06012015). Collection method: clinical testing. Allele origin: germline. Affected: yes.
Comment: This variant is considered likely benign or benign based on one or more of the following criteria: it is a conservative change, it occurs at a poorly conserved position in the protein, it is predicted to be benign by multiple in silico algorithms, and/or has population frequency not consistent with disease.

Breakthrough Genomics
Classification: Benign. Review status: criteria provided, single submitter. Criteria: ACMG Guidelines, 2015. Collection method: not provided. Allele origin: germline. Inheritance: Autosomal recessive inheritance. Affected: yes.

NM_024809.5(TCTN2):c.267+83G>A

Gene: TCTN2 (tectonic family member 2; plus strand). Cytogenetic location: 12q24.31.
Variant type: single nucleotide variant.
Coding change: c.267+83G>A on transcript NM_024809.5 (MANE Select); 83 bases into the intron after coding-DNA position 267, G replaced by A.
Molecular consequence: intron variant.
Genome position (GRCh38, 1-based): chr12:123,672,215, G>A. VCF-style: chr12-123672215-G-A. GRCh37 (hg19) VCF-style: chr12-124156762-G-A.
Other names: c.267+83G>A (NM_001143850.3).
Identifiers: ClinVar variation 675174 (VCV000675174.2), dbSNP rs7134863, ClinGen allele CA245183504.